The following is an entry in ClinVar:

ClinVar aggregate classification (germline): Uncertain significance (1 of 4 stars; one submission).

Allele frequency attached by ClinVar (database versions not stated): ExAC 0.00005; gnomAD exomes 0.00005; gnomAD 0.00007; TOPMed 0.00007; ESP Exome Variant Server 0.00015; 1000 Genomes Project 30x 0.00016; 1000 Genomes Project 0.00020.
gnomAD v4.1: 87 of 1,614,108 alleles (0.0054%); highest among the groups gnomAD compares: East Asian, 0.0089%; no homozygotes.

Submission:

Ambry Genetics
Classification: Uncertain significance. Last evaluated: 2024-10-23. Review status: criteria provided, single submitter. Criteria: Ambry Variant Classification Scheme 2023. Collection method: clinical testing. Allele origin: germline.
Comment: The p.V59I variant (also known as c.175G>A), located in coding exon 1 of the MNDA gene, results from a G to A substitution at nucleotide position 175. The valine at codon 59 is replaced by isoleucine, an amino acid with highly similar properties. This amino acid position is conserved. In addition, this alteration is predicted to be tolerated by in silico analysis. Since supporting evidence is limited at this time, the clinical significance of this alteration remains unclear.

NM_002432.3(MNDA):c.175G>A (p.Val59Ile)

Gene: MNDA (myeloid cell nuclear differentiation antigen; plus strand). Cytogenetic location: 1q23.1.
Variant type: single nucleotide variant.
Coding change: c.175G>A on transcript NM_002432.3 (MANE Select); coding-DNA position 175, G replaced by A.
Protein change: p.Val59Ile; replaces valine 59 with isoleucine.
Molecular consequence: missense variant.
Genome position (GRCh38, 1-based): chr1:158,842,328, G>A. VCF-style: chr1-158842328-G-A. GRCh37 (hg19) VCF-style: chr1-158812118-G-A.
Other names: short protein forms V59I.
Identifiers: ClinVar variation 1779555 (VCV001779555.3), dbSNP rs201766714, ClinGen allele CA1185503.